The following is an entry in ClinVar:

ClinVar aggregate classification (germline): Uncertain significance (1 of 4 stars; one submission).

Submission:

GeneDx
Classification: Uncertain significance. Last evaluated: 2024-04-08. Review status: criteria provided, single submitter. Criteria: GeneDx Variant Classification Process June 2021. Collection method: clinical testing. Allele origin: germline. Affected: yes.
Comment: Not observed at significant frequency in large population cohorts (gnomAD); In silico analysis supports that this missense variant has a deleterious effect on protein structure/function; Has not been previously published as pathogenic or benign to our knowledge

NM_015267.4(CUX2):c.2750G>T (p.Arg917Met)

Gene: CUX2 (cut like homeobox 2; plus strand). Cytogenetic location: 12q24.12.
Variant type: single nucleotide variant.
Coding change: c.2750G>T on transcript NM_015267.4 (MANE Select); coding-DNA position 2750, G replaced by T.
Protein change: p.Arg917Met; replaces arginine 917 with methionine.
Molecular consequence: missense variant.
Genome position (GRCh38, 1-based): chr12:111,320,759, G>T. VCF-style: chr12-111320759-G-T. GRCh37 (hg19) VCF-style: chr12-111758563-G-T.
Other names: c.2564G>T, p.Arg855Met (NM_001370598.1); short protein forms R855M, R917M.
Identifiers: ClinVar variation 3372229 (VCV003372229.1).